The following is an entry in ClinVar:

NM_001923.5(DDB1):c.3027C>T (p.His1009=)

Gene: DDB1 (damage specific DNA binding protein 1; minus strand). Cytogenetic location: 11q12.2.
Variant type: single nucleotide variant.
Coding change: c.3027C>T on transcript NM_001923.5 (MANE Select); coding-DNA position 3027, C replaced by T.
Protein change: p.His1009=; no amino-acid change (histidine 1009 retained).
Molecular consequence: synonymous variant.
Genome position (GRCh38, 1-based): chr11:61,302,667, G>A on the plus strand (C>T on the coding strand, the complement: DDB1 is on the minus strand). VCF-style: chr11-61302667-G-A. GRCh37 (hg19) VCF-style: chr11-61070139-G-A.
Identifiers: ClinVar variation 4872523 (VCV004872523.2).

ClinVar aggregate classification (germline): Likely benign (1 of 4 stars; one submission).

gnomAD v4.1: 423 of 1,614,226 alleles (0.026%); highest among the groups gnomAD compares: Admixed American, 0.14%; no homozygotes.

Submission:

CeGaT Center for Human Genetics Tuebingen
Classification: Likely benign. Last evaluated: 2026-06-01. Review status: criteria provided, single submitter. Criteria: CeGaT Center For Human Genetics Tuebingen Variant Classification Criteria Version 2. Collection method: clinical testing. Allele origin: germline. Affected: yes. Observed: 1 variant allele.
Comment: DDB1: BP4, BP7